The following is an entry in ClinVar:

NM_017686.4(GDAP2):c.753T>C (p.Pro251=)

Gene: GDAP2 (ganglioside induced differentiation associated protein 2; minus strand). Cytogenetic location: 1p12.
Variant type: single nucleotide variant.
Coding change: c.753T>C on transcript NM_017686.4 (MANE Select); coding-DNA position 753, T replaced by C.
Protein change: p.Pro251=; no amino-acid change (proline 251 retained).
Molecular consequence: synonymous variant.
Genome position (GRCh38, 1-based): chr1:117,899,100, A>G on the plus strand (T>C on the coding strand, the complement: GDAP2 is on the minus strand). VCF-style: chr1-117899100-A-G. GRCh37 (hg19) VCF-style: chr1-118441722-A-G.
Other names: c.753T>C, p.Pro251= (NM_001135589.3).
Identifiers: ClinVar variation 3040411 (VCV003040411.18), dbSNP rs34262092, ClinGen allele CA1031555.

ClinVar aggregate classification (germline): Likely benign. Review status: criteria provided, multiple submitters, no conflicts (2 of 4 stars). 3 submissions from 3 submitters: Likely benign (2). 1 of the submissions does not count toward it. Last evaluated 2026-08-01.

Conditions:
GDAP2-related disorder. Also called: GDAP2-related condition.

Allele frequency attached by ClinVar (database versions not stated): gnomAD exomes 0.00083; ExAC 0.00152; ESP Exome Variant Server 0.00284; gnomAD 0.00324; 1000 Genomes Project 0.00499; TOPMed 0.00386; 1000 Genomes Project 30x 0.00484.
gnomAD v4.1: 1,786 of 1,613,082 alleles (0.11%); highest among the groups gnomAD compares: African/African-American, 0.77%; 4 homozygotes.

Submissions (3):

CeGaT Center for Human Genetics Tuebingen
Classification: Likely benign. Last evaluated: 2026-08-01. Review status: criteria provided, single submitter. Criteria: CeGaT Center For Human Genetics Tuebingen Variant Classification Criteria Version 2. Collection method: clinical testing. Allele origin: germline. Affected: yes. Observed: 3 variant alleles.
Comment: GDAP2: BP4, BP7

Blueprint Genetics
Classification: Likely benign. Last evaluated: 2024-11-13. Review status: criteria provided, single submitter. Criteria: ACMG Guidelines, 2015. Collection method: clinical testing. Allele origin: germline.

PreventionGenetics, part of Exact Sciences
Classification: Likely benign for GDAP2-related condition. Last evaluated: 2019-12-18. Review status: no assertion criteria provided. Collection method: clinical testing. Allele origin: germline. Not counted in ClinVar's aggregate classification.
Comment: This variant is classified as likely benign based on ACMG/AMP sequence variant interpretation guidelines (Richards et al. 2015 PMID: 25741868, with internal and published modifications).